The following is an entry in ClinVar:

ClinVar aggregate classification (germline): Uncertain significance (1 of 4 stars; one submission).

Submission:

GeneDx
Classification: Uncertain significance. Last evaluated: 2024-07-17. Review status: criteria provided, single submitter. Criteria: GeneDx Variant Classification Process June 2021. Collection method: clinical testing. Allele origin: germline. Affected: yes.
Comment: Not observed at significant frequency in large population cohorts (gnomAD); In silico analysis supports that this missense variant has a deleterious effect on protein structure/function; Has not been previously published as pathogenic or benign to our knowledge

NM_024408.4(NOTCH2):c.4298A>C (p.Lys1433Thr)

Gene: NOTCH2 (notch receptor 2; minus strand). Cytogenetic location: 1p12.
Variant type: single nucleotide variant.
Coding change: c.4298A>C on transcript NM_024408.4 (MANE Select); coding-DNA position 4298, A replaced by C.
Protein change: p.Lys1433Thr; replaces lysine 1433 with threonine.
Molecular consequence: missense variant.
Genome position (GRCh38, 1-based): chr1:119,925,518, T>G on the plus strand (A>C on the coding strand, the complement: NOTCH2 is on the minus strand). VCF-style: chr1-119925518-T-G. GRCh37 (hg19) VCF-style: chr1-120468141-T-G.
Other names: short protein forms K1433T.
Identifiers: ClinVar variation 3573800 (VCV003573800.1).